The following is an entry in ClinVar:

NM_052867.4(NALCN):c.1139T>C (p.Met380Thr)

Genes: NALCN (sodium leak channel, non-selective; minus strand), LOC126861831 (P300/CBP strongly-dependent group 1 enhancer GRCh37_chr13:101909917-101911116; plus strand). Cytogenetic location: 13q33.1.
Variant type: single nucleotide variant.
Coding change: c.1139T>C on transcript NM_052867.4 (MANE Select); coding-DNA position 1139, T replaced by C.
Protein change: p.Met380Thr; replaces methionine 380 with threonine.
Molecular consequence: missense variant.
Genome position (GRCh38, 1-based): chr13:101,258,570, A>G on the plus strand (T>C on the coding strand, the complement: NALCN is on the minus strand). VCF-style: chr13-101258570-A-G. GRCh37 (hg19) VCF-style: chr13-101910921-A-G.
Other names: c.1139T>C, p.Met380Thr (NM_001350748.2, NM_001350749.2); c.1052T>C, p.Met351Thr (NM_001350750.2, NM_001350751.2); short protein forms M351T, M380T.
Identifiers: ClinVar variation 1311584 (VCV001311584.2), dbSNP rs2140217419, ClinGen allele CA388703970.

ClinVar aggregate classification (germline): Uncertain significance (1 of 4 stars; one submission).

Submission:

GeneDx
Classification: Uncertain significance. Last evaluated: 2019-12-26. Review status: criteria provided, single submitter. Criteria: GeneDx Variant Classification Process June 2021. Collection method: clinical testing. Allele origin: germline. Affected: yes.
Comment: Not observed in large population cohorts (Lek et al., 2016); In silico analysis, which includes protein predictors and evolutionary conservation, supports a deleterious effect; Has not been previously published as pathogenic or benign to our knowledge